The following is an entry in ClinVar:

ClinVar aggregate classification (germline): Uncertain significance (1 of 4 stars; one submission).

Allele frequency attached by ClinVar (database versions not stated): gnomAD 0.00003; TOPMed 0.00003.
gnomAD v4.1: 233 of 1,614,050 alleles (0.014%); highest among the groups gnomAD compares: Non-Finnish European, 0.019%; no homozygotes.

Submission:

Labcorp Genetics (formerly Invitae), Labcorp
Classification: Uncertain significance. Last evaluated: 2023-10-03. Review status: criteria provided, single submitter. Criteria: Invitae Variant Classification Sherloc (09022015). Collection method: clinical testing. Allele origin: germline.
Comment: This sequence change falls in intron 9 of the MCM4 gene. It does not directly change the encoded amino acid sequence of the MCM4 protein. It affects a nucleotide within the consensus splice site. This variant is present in population databases (rs771573811, gnomAD 0.008%). This variant has not been reported in the literature in individuals affected with MCM4-related conditions. ClinVar contains an entry for this variant (Variation ID: 2054094). Variants that disrupt the consensus splice site are a relatively common cause of aberrant splicing (PMID: 17576681, 9536098). Algorithms developed to predict the effect of sequence changes on RNA splicing suggest that this variant is not likely to affect RNA splicing. In summary, the available evidence is currently insufficient to determine the role of this variant in disease. Therefore, it has been classified as a Variant of Uncertain Significance.

Literature cited by the submitters: PubMed 17576681; PubMed 9536098.

NM_182746.3(MCM4):c.1174+5G>A

Gene: MCM4 (minichromosome maintenance complex component 4; plus strand). Cytogenetic location: 8q11.21.
Variant type: single nucleotide variant.
Coding change: c.1174+5G>A on transcript NM_182746.3 (MANE Select); 5 bases into the intron after coding-DNA position 1174, G replaced by A.
Molecular consequence: intron variant.
Genome position (GRCh38, 1-based): chr8:47,967,490, G>A. VCF-style: chr8-47967490-G-A. GRCh37 (hg19) VCF-style: chr8-48880050-G-A.
Other names: c.1174+5G>A (NM_005914.4).
Identifiers: ClinVar variation 2054094 (VCV002054094.3), dbSNP rs771573811, ClinGen allele CA4742536.